The following is an entry in ClinVar:

NM_002160.4(TNC):c.3284C>T (p.Thr1095Ile)

Gene: TNC (tenascin C; minus strand). Cytogenetic location: 9q33.1.
Variant type: single nucleotide variant.
Coding change: c.3284C>T on transcript NM_002160.4 (MANE Select); coding-DNA position 3284, C replaced by T.
Protein change: p.Thr1095Ile; replaces threonine 1095 with isoleucine.
Molecular consequence: missense variant. On other transcripts: intron variant (7).
Genome position (GRCh38, 1-based): chr9:115,064,850, G>A on the plus strand (C>T on the coding strand, the complement: TNC is on the minus strand). VCF-style: chr9-115064850-G-A. GRCh37 (hg19) VCF-style: chr9-117827129-G-A.
Other names: c.3214+8753C>T (NM_001439101.1, NM_001439099.1, NM_001439096.1 and 1 more transcripts); c.3284C>T, p.Thr1095Ile (NM_001410991.1, NM_001439065.1, NM_001439066.1 and 28 more transcripts); c.3215-7425C>T (NM_001439098.1, NM_001439094.1, NM_001439090.1); short protein forms T1095I.
Identifiers: ClinVar variation 4847330 (VCV004847330.3).

ClinVar aggregate classification (germline): Uncertain significance. Review status: criteria provided, multiple submitters, no conflicts (2 of 4 stars). 2 submissions from 2 submitters: Uncertain significance (2). Last evaluated 2026-03-11.

Conditions:
Autosomal dominant nonsyndromic hearing loss 56. Also called: Deafness, autosomal dominant 56. Identifiers: Orphanet 90635, MedGen C3810170, MONDO:0014283, OMIM 615629.

gnomAD v4.1: 9 of 1,614,204 alleles (0.00056%); highest among the groups gnomAD compares: African/African-American, 0.0093%; no homozygotes.

Submissions (2):

Women's Health and Genetics/Laboratory Corporation of America, LabCorp
Classification: Uncertain significance. Last evaluated: 2026-03-11. Review status: criteria provided, single submitter. Criteria: LabCorp Variant Classification Summary - May 2015. Collection method: clinical testing. Allele origin: germline.
Comment: Variant summary: TNC c.3284C>T (p.Thr1095Ile) results in a non-conservative amino acid change in the encoded protein sequence. Algorithms developed to predict the effect of missense changes on protein structure and function are either unavailable or do not agree on the potential impact of this missense change. The variant allele was found at a frequency of 4e-06 in 251432 control chromosomes. The available data on variant occurrences in the general population are insufficient to allow any conclusion about variant significance. To our knowledge, no occurrence of c.3284C>T in individuals affected with TNC-related conditions and no experimental evidence demonstrating its impact on protein function have been reported. No submitters have cited clinical-significance assessments for this variant to ClinVar. Based on the evidence outlined above, the variant was classified as uncertain significance.

Dasa
Classification: Uncertain significance for Autosomal dominant nonsyndromic hearing loss 56. Last evaluated: 2025-09-03. Review status: criteria provided, single submitter. Criteria: DASA Assertion Criteria. Collection method: clinical testing. Allele origin: germline.
Comment: NM_002160.4(TNC):c.3284C>T (p.Thr1095Ile) is a missense variant that results in the substitution of threonine with isoleucine. This variant is rare in population databases. The currently available literature and clinical evidence are not sufficient to establish a definitive association between this variant and the reported condition. Therefore, this variant is classified as a variant of uncertain significance.